The following is an entry in ClinVar:

ClinVar aggregate classification (germline): Uncertain significance. Review status: criteria provided, multiple submitters, no conflicts (2 of 4 stars). 3 submissions from 3 submitters: Uncertain significance (3). Last evaluated 2023-10-10.

Conditions:
Hypertrophic cardiomyopathy 10. Also called: MYL2-Related Familial Hypertrophic Cardiomyopathy; CARDIOMYOPATHY, HYPERTROPHIC, MID-LEFT VENTRICULAR CHAMBER TYPE, 2. Identifiers: MedGen C1834460, MONDO:0012112, OMIM 608758.
Hypertrophic cardiomyopathy. Also called: HYPERTROPHIC MYOCARDIOPATHY. Identifiers: Orphanet 217569, MedGen C0007194, MeSH D002312, MONDO:0005045, HP:0001639.

Allele frequency attached by ClinVar (database versions not stated): gnomAD exomes below 0.00001; TOPMed 0.00001.
gnomAD v4.1: 2 of 1,613,408 alleles (0.00012%); highest among the groups gnomAD compares: Non-Finnish European, 0.00017%; no homozygotes.

Submissions (3):

Labcorp Genetics (formerly Invitae), Labcorp
Classification: Uncertain significance for Hypertrophic cardiomyopathy 10. Last evaluated: 2023-10-10. Review status: criteria provided, single submitter. Criteria: Invitae Variant Classification Sherloc (09022015). Collection method: clinical testing. Allele origin: germline.
Comment: This sequence change replaces lysine, which is basic and polar, with arginine, which is basic and polar, at codon 5 of the MYL2 protein (p.Lys5Arg). This variant is present in population databases (rs730880941, gnomAD 0.0009%). This variant has not been reported in the literature in individuals affected with MYL2-related conditions. ClinVar contains an entry for this variant (Variation ID: 181422). Experimental studies and prediction algorithms are not available or were not evaluated, and the functional significance of this variant is currently unknown. In summary, the available evidence is currently insufficient to determine the role of this variant in disease. Therefore, it has been classified as a Variant of Uncertain Significance.

All of Us Research Program, National Institutes of Health
Classification: Uncertain significance for Hypertrophic cardiomyopathy. Last evaluated: 2023-02-10. Review status: criteria provided, single submitter. Criteria: ACMG Guidelines, 2015. Collection method: clinical testing. Allele origin: germline. Inheritance: Autosomal dominant inheritance. Observed: 1 variant allele, 1 heterozygote.
Comment: This study involves interpretation of variants in research participants for the purpose of population health screening. Participant phenotype was not available at the time of variant classification. Additional details can be found in publication PMID: 35346344, PMCID: PMC8962531

GeneDx
Classification: Uncertain significance. Last evaluated: 2014-07-15. Review status: criteria provided, single submitter. Criteria: GeneDx Variant Classification (06012015). Collection method: clinical testing. Allele origin: germline. Affected: yes.
Comment: p.Lys5Arg (AAA>AGA): c.14 A>G in exon 2 of the MYL2 gene (NM_000432.3) A variant of unknown significance has been identified in the MYL2 gene. The K5R variant has not been published as a mutation, nor has it been reported as a benign polymorphism to our knowledge. The K5R variant is a conservative amino acid substitution, which is not likely to impact secondary protein structure as these residues share similar properties. Additionally, in silico analysis is inconsistent in its predictions as to whether or not the variant is damaging to the protein structure/function. However, the K5R variant was not observed in approximately 6,500 individuals of European and African American ancestry in the NHLBI Exome Sequencing Project, indicating it is not a common benign variant in these populations. Furthermore, this substitution occurs at a position that is conserved across species and a missense mutation in a nearby residue (A13T) has been reported in association with hypertrophic cardiomyopathy, supporting the functional importance of this region of the protein. Therefore, based on the currently available information, it is unclear whether this variant is a pathogenic mutation or a rare benign variant. The variant is found in CARDIOMYOPATHY panel(s).

NM_000432.4(MYL2):c.14A>G (p.Lys5Arg)

Genes: MYL2 (myosin light chain 2; minus strand), LOC114827850 (VISTA enhancer hs2149; plus strand). Cytogenetic location: 12q24.11.
Variant type: single nucleotide variant.
Coding change: c.14A>G on transcript NM_000432.4 (MANE Select); coding-DNA position 14, A replaced by G.
Protein change: p.Lys5Arg; replaces lysine 5 with arginine.
Molecular consequence: missense variant.
Genome position (GRCh38, 1-based): chr12:110,919,183, T>C on the plus strand (A>G on the coding strand, the complement: MYL2 is on the minus strand). VCF-style: chr12-110919183-T-C. GRCh37 (hg19) VCF-style: chr12-111356987-T-C.
Other names: p.K5R:AAA>AGA; short protein forms K5R.
Identifiers: ClinVar variation 181422 (VCV000181422.12), dbSNP rs730880941, ClinGen allele CA009892.